The following is an entry in ClinVar:

NM_024884.3(L2HGDH):c.1200C>T (p.Gly400=)

Gene: L2HGDH (L-2-hydroxyglutarate dehydrogenase; minus strand). Cytogenetic location: 14q21.3.
Variant type: single nucleotide variant.
Coding change: c.1200C>T on transcript NM_024884.3 (MANE Select); coding-DNA position 1200, C replaced by T.
Protein change: p.Gly400=; no amino-acid change (glycine 400 retained).
Molecular consequence: synonymous variant.
Genome position (GRCh38, 1-based): chr14:50,247,250, G>A on the plus strand (C>T on the coding strand, the complement: L2HGDH is on the minus strand). VCF-style: chr14-50247250-G-A. GRCh37 (hg19) VCF-style: chr14-50713968-G-A.
Other names: p.Gly400=.
Identifiers: ClinVar variation 1986364 (VCV001986364.5), dbSNP rs780217147, ClinGen allele CA7177760.

ClinVar aggregate classification (germline): Likely benign. Review status: criteria provided, multiple submitters, no conflicts (2 of 4 stars). 2 submissions from 2 submitters: Likely benign (2). Last evaluated 2025-05-09.

Conditions:
L-2-hydroxyglutaric aciduria (L2HGA). Identifiers: Orphanet 79314, MedGen C1855995, MONDO:0009370, OMIM 236792, HP:0040144.

Allele frequency attached by ClinVar (database versions not stated): gnomAD 0.00001; gnomAD exomes 0.00002; TOPMed 0.00002; ExAC 0.00006.
gnomAD v4.1: 10 of 1,612,564 alleles (0.00062%); highest among the groups gnomAD compares: Admixed American, 0.017%; no homozygotes.

Submissions (2):

Mayo Clinic Laboratories, Mayo Clinic
Classification: Likely benign. Last evaluated: 2025-05-09. Review status: criteria provided, single submitter. Criteria: ACMG Guidelines, 2015. Collection method: clinical testing. Allele origin: germline. Observed: 1 variant allele.
Comment: BP4, BP7

Labcorp Genetics (formerly Invitae), Labcorp
Classification: Likely benign for L-2-hydroxyglutaric aciduria. Last evaluated: 2025-02-01. Review status: criteria provided, single submitter. Criteria: Invitae Variant Classification Sherloc (09022015). Collection method: clinical testing. Allele origin: germline.